The following is an entry in ClinVar:

NM_017752.3(TBC1D8B):c.2719A>G (p.Ile907Val)

Gene: TBC1D8B (TBC1 domain family member 8B; plus strand). Cytogenetic location: Xq22.3.
Variant type: single nucleotide variant.
Coding change: c.2719A>G on transcript NM_017752.3 (MANE Select); coding-DNA position 2719, A replaced by G.
Protein change: p.Ile907Val; replaces isoleucine 907 with valine.
Molecular consequence: missense variant.
Genome position (GRCh38, 1-based): chrX:106,866,853, A>G. VCF-style: chrX-106866853-A-G. GRCh37 (hg19) VCF-style: chrX-106110083-A-G.
Other names: short protein forms I907V.
Identifiers: ClinVar variation 2170904 (VCV002170904.4), dbSNP rs748864682, ClinGen allele CA10483409.

ClinVar aggregate classification (germline): Uncertain significance (1 of 4 stars; one submission).

Allele frequency attached by ClinVar (database versions not stated): gnomAD exomes 0.00001; ExAC 0.00002; TOPMed 0.00002.
gnomAD v4.1: 9 of 1,180,269 alleles (0.00076%); highest among the groups gnomAD compares: Admixed American, 0.016%; no homozygotes.

Submission:

Labcorp Genetics (formerly Invitae), Labcorp
Classification: Uncertain significance. Last evaluated: 2022-08-20. Review status: criteria provided, single submitter. Criteria: Invitae Variant Classification Sherloc (09022015). Collection method: clinical testing. Allele origin: germline.
Comment: In summary, the available evidence is currently insufficient to determine the role of this variant in disease. Therefore, it has been classified as a Variant of Uncertain Significance. Algorithms developed to predict the effect of missense changes on protein structure and function (SIFT, PolyPhen-2, Align-GVGD) all suggest that this variant is likely to be tolerated. This variant has not been reported in the literature in individuals affected with TBC1D8B-related conditions. This variant is present in population databases (rs748864682, gnomAD 0.02%). This sequence change replaces isoleucine, which is neutral and non-polar, with valine, which is neutral and non-polar, at codon 907 of the TBC1D8B protein (p.Ile907Val).